The following is an entry in ClinVar:

NM_014806.5(RUSC2):c.347A>T (p.Asp116Val)

Gene: RUSC2 (RUN and SH3 domain containing 2; plus strand). Cytogenetic location: 9p13.3.
Variant type: single nucleotide variant.
Coding change: c.347A>T on transcript NM_014806.5 (MANE Select); coding-DNA position 347, A replaced by T.
Protein change: p.Asp116Val; replaces aspartic acid 116 with valine.
Molecular consequence: missense variant. On other transcripts: non-coding transcript variant (1), intron variant (1).
Genome position (GRCh38, 1-based): chr9:35,546,868, A>T. VCF-style: chr9-35546868-A-T. GRCh37 (hg19) VCF-style: chr9-35546865-A-T.
Other names: c.347A>T, p.Asp116Val (NM_001135999.2); c.-620-8192A>T (NM_001330740.2); c.347A>T (NM_001135999.1); short protein forms D116V.
Identifiers: ClinVar variation 598474 (VCV000598474.11), dbSNP rs1564263022, ClinGen allele CA373326756.

ClinVar aggregate classification (germline): Uncertain significance. Review status: criteria provided, multiple submitters, no conflicts (2 of 4 stars). 3 submissions from 3 submitters: Uncertain significance (3). Last evaluated 2024-12-20.

Allele frequency attached by ClinVar (database versions not stated): TOPMed below 0.00001; gnomAD exomes 0.00001.
gnomAD v4.1: 11 of 1,603,934 alleles (0.00069%); highest among the groups gnomAD compares: Non-Finnish European, 0.00094%; no homozygotes.

Submissions (3):

Ambry Genetics
Classification: Uncertain significance. Last evaluated: 2024-12-20. Review status: criteria provided, single submitter. Criteria: Ambry Variant Classification Scheme 2023. Collection method: clinical testing. Allele origin: germline.

Labcorp Genetics (formerly Invitae), Labcorp
Classification: Uncertain significance. Last evaluated: 2022-03-10. Review status: criteria provided, single submitter. Criteria: Invitae Variant Classification Sherloc (09022015). Collection method: clinical testing. Allele origin: germline.
Comment: In summary, the available evidence is currently insufficient to determine the role of this variant in disease. Therefore, it has been classified as a Variant of Uncertain Significance. Algorithms developed to predict the effect of missense changes on protein structure and function (SIFT, PolyPhen-2, Align-GVGD) all suggest that this variant is likely to be disruptive. ClinVar contains an entry for this variant (Variation ID: 598474). This variant has not been reported in the literature in individuals affected with RUSC2-related conditions. This variant is not present in population databases (gnomAD no frequency). This sequence change replaces aspartic acid, which is acidic and polar, with valine, which is neutral and non-polar, at codon 116 of the RUSC2 protein (p.Asp116Val).

Eurofins Ntd Llc (ga)
Classification: Uncertain significance. Last evaluated: 2018-08-17. Review status: criteria provided, single submitter. Criteria: EGL ClinVar v180209 classification definitions. Collection method: clinical testing. Allele origin: germline. Observed: 1 variant allele, 1 heterozygote.